The following is an entry in ClinVar:

NM_005876.5(SPEG):c.373G>A (p.Val125Met)

Gene: SPEG (striated muscle enriched protein kinase; plus strand). Cytogenetic location: 2q35.
Variant type: single nucleotide variant.
Coding change: c.373G>A on transcript NM_005876.5 (MANE Select); coding-DNA position 373, G replaced by A.
Protein change: p.Val125Met; replaces valine 125 with methionine.
Molecular consequence: missense variant.
Genome position (GRCh38, 1-based): chr2:219,435,350, G>A. VCF-style: chr2-219435350-G-A. GRCh37 (hg19) VCF-style: chr2-220300072-G-A.
Other names: c.373G>A (NM_005876.4); short protein forms V125M.
Identifiers: ClinVar variation 2169975 (VCV002169975.2), dbSNP rs780602197, ClinGen allele CA2125366.

ClinVar aggregate classification (germline): Uncertain significance. Review status: criteria provided, multiple submitters, no conflicts (2 of 4 stars). 2 submissions from 2 submitters: Uncertain significance (2). Last evaluated 2025-04-03.

Conditions:
Inborn genetic diseases. Identifiers: MedGen C0950123, MeSH D030342.

Allele frequency attached by ClinVar (database versions not stated): gnomAD 0.00002; TOPMed 0.00010; gnomAD exomes 0.00003; ExAC 0.00032.
gnomAD v4.1: 50 of 1,538,334 alleles (0.0033%); highest among the groups gnomAD compares: Admixed American, 0.087%; no homozygotes.

Submissions (2):

Ambry Genetics
Classification: Uncertain significance for Inborn genetic diseases. Last evaluated: 2025-04-03. Review status: criteria provided, single submitter. Criteria: Ambry Variant Classification Scheme 2023. Collection method: clinical testing. Allele origin: germline.

Labcorp Genetics (formerly Invitae), Labcorp
Classification: Uncertain significance. Last evaluated: 2022-08-05. Review status: criteria provided, single submitter. Criteria: Invitae Variant Classification Sherloc (09022015). Collection method: clinical testing. Allele origin: germline.
Comment: This sequence change replaces valine, which is neutral and non-polar, with methionine, which is neutral and non-polar, at codon 125 of the SPEG protein (p.Val125Met). This variant is present in population databases (rs780602197, gnomAD 0.1%). This variant has not been reported in the literature in individuals affected with SPEG-related conditions. Algorithms developed to predict the effect of missense changes on protein structure and function are either unavailable or do not agree on the potential impact of this missense change (SIFT: "Deleterious"; PolyPhen-2: "Probably Damaging"; Align-GVGD: "Class C0"). In summary, the available evidence is currently insufficient to determine the role of this variant in disease. Therefore, it has been classified as a Variant of Uncertain Significance.